The following is an entry in ClinVar:

ClinVar aggregate classification (germline): Likely benign (3 of 4 stars; one submission).

Conditions:
Creatine transporter deficiency (CCDS1). Also called: Mental retardation , X-linked with seizures, short stature and midface hypoplasia; Mental retardation , X-linked, with creatine transport deficiency; X-linked creatine transporter deficiency; X-linked creatine deficiency syndrome; SLC6A8-Related Creatine Transporter Deficiency; CREATINE TRANSPORTER DEFECT. Identifiers: Orphanet 52503, MedGen C1845862, MONDO:0010305, OMIM 300352.

Allele frequency attached by ClinVar (database versions not stated): gnomAD exomes below 0.00001.

Submission:

ClinGen Cerebral Creatine Deficiency Syndromes Variant Curation Expert Panel, ClinGen
Classification: Likely benign for Creatine transporter deficiency. Last evaluated: 2026-08-10. Review status: reviewed by expert panel. Criteria: ClinGen CCDS ACMG Specifications SLC6A8 V2.1. Collection method: curation. Allele origin: germline. Inheritance: X-linked inheritance.
Comment: The NM_005629.4(SLC6A8):c.1629G>A (p.Glu543=) variant in SLC6A8 is a synonymous (silent) variant that is not predicted by SpliceAI to impact splicing (BP4). In addition, it occurs at a nucleotide that is not conserved as shown by PhyloP score of -1 (BP7). This variant has been reported as a variant of uncertain significance in an individual who was part of a large cohort (n=1900) with "a differential diagnosis of SLC6A8 deficiency" (no clinical data provided; presumably the clinical features are consistent, but no biochemical testing was mentioned) (PMID: 20717164); thus PP4 does not apply. The highest population minor allele frequency in gnomAD v4.1.0. is 0.000001117 (1/895369 alleles) in the European non-Finnish population. While this MAF meets the ClinGen CCDS VCEP's threshold for PM2_Supporting, there is also one hemizygote in gnomAD v4.1.0. Therefore, PM2_Supporting cannot be applied; no population criteria are met. In summary, this variant meets criteria to be classified as likely benign for creatine transporter deficiency. SLC6A8-specific criteria applied, as specified by the ClinGen Cerebral Creatine Deficiency Syndromes Variant Curation Expert Panel (Specifications Version 2.1.0): BP4, BP7. (Classification approved by the ClinGen Cerebral Creatine Deficiency Syndromes Variant Curation Expert Panel on August 10, 2026)

NM_005629.4(SLC6A8):c.1629G>A (p.Glu543=)

Gene: SLC6A8 (solute carrier family 6 member 8; plus strand). Cytogenetic location: Xq28.
Variant type: single nucleotide variant.
Coding change: c.1629G>A on transcript NM_005629.4 (MANE Select); coding-DNA position 1629, G replaced by A.
Protein change: p.Glu543=; no amino-acid change (glutamic acid 543 retained).
Molecular consequence: synonymous variant.
Genome position (GRCh38, 1-based): chrX:153,694,751, G>A. VCF-style: chrX-153694751-G-A. GRCh37 (hg19) VCF-style: chrX-152960206-G-A.
Other names: NM_001142805.2:c.1599G>A; c.1599G>A, p.Glu533= (NM_001142805.2); c.1284G>A, p.Glu428= (NM_001142806.1).
Identifiers: ClinVar variation 3066440 (VCV003066440.2), dbSNP rs2522169656, ClinGen allele CA519344969.